The following is an entry in ClinVar:

NM_001384140.1(PCDH15):c.2358A>C (p.Glu786Asp)

Gene: PCDH15 (protocadherin related 15; minus strand). Cytogenetic location: 10q21.1.
Variant type: single nucleotide variant.
Coding change: c.2358A>C on transcript NM_001384140.1 (MANE Select); coding-DNA position 2358, A replaced by C.
Protein change: p.Glu786Asp; replaces glutamic acid 786 with aspartic acid.
Molecular consequence: missense variant.
Genome position (GRCh38, 1-based): chr10:54,023,060, T>G on the plus strand (A>C on the coding strand, the complement: PCDH15 is on the minus strand). VCF-style: chr10-54023060-T-G. GRCh37 (hg19) VCF-style: chr10-55782820-T-G.
Other names: c.2373A>C, p.Glu791Asp (NM_001142763.2, NM_001142771.2); c.2358A>C, p.Glu786Asp (NM_001142764.2, NM_001142766.2, NM_001142770.3 and 5 more transcripts); c.2145A>C, p.Glu715Asp (NM_001142765.2); c.2247A>C, p.Glu749Asp (NM_001142767.2); c.2292A>C, p.Glu764Asp (NM_001142768.2, NM_001142773.2, NM_001354404.2); c.2394A>C, p.Glu798Asp (NM_001142769.4); c.2379A>C, p.Glu793Asp (NM_001354411.2); short protein forms E786D, E764D, E791D, E798D, E715D, E749D, E793D.
Identifiers: ClinVar variation 1507596 (VCV001507596.3), dbSNP rs764628908, ClinGen allele CA5506045.
Genomic context (GRCh38, chr10:54,023,060, plus strand): 5'-GGCCAAGGTTAGAGTTGAATGACGAGGGTGTACTGCTCCATCTGTTGCCACAACAACAAG[T>G]TCATAGTAGTCCCTGACTTCTCTGTTAAGCTTCACTGCTGTGTAAATGCTCCCATTGGAT-3'
Protein context (NP_001371069.1, residues 776-796): KLNREVRDYY[Glu786Asp]LVVVATDGAV

ClinVar aggregate classification (germline): Uncertain significance (1 of 4 stars; one submission).

Allele frequency attached by ClinVar (database versions not stated): gnomAD exomes below 0.00001; ExAC 0.00001; gnomAD 0.00001; TOPMed 0.00001.
gnomAD v4.1: 4 of 1,613,914 alleles (0.00025%); highest among the groups gnomAD compares: East Asian, 0.0089%; no homozygotes.

Submission:

Labcorp Genetics (formerly Invitae), Labcorp
Classification: Uncertain significance. Last evaluated: 2022-10-18. Review status: criteria provided, single submitter. Criteria: Invitae Variant Classification Sherloc (09022015). Collection method: clinical testing. Allele origin: germline.
Comment: This sequence change replaces glutamic acid, which is acidic and polar, with aspartic acid, which is acidic and polar, at codon 786 of the PCDH15 protein (p.Glu786Asp). This variant is present in population databases (rs764628908, gnomAD 0.01%). This variant has not been reported in the literature in individuals affected with PCDH15-related conditions. ClinVar contains an entry for this variant (Variation ID: 1507596). Advanced modeling of protein sequence and biophysical properties (such as structural, functional, and spatial information, amino acid conservation, physicochemical variation, residue mobility, and thermodynamic stability) performed at Invitae indicates that this missense variant is not expected to disrupt PCDH15 protein function. In summary, the available evidence is currently insufficient to determine the role of this variant in disease. Therefore, it has been classified as a Variant of Uncertain Significance.